The following is an entry in ClinVar:

NM_004249.4(RAB28):c.655G>A (p.Val219Ile)

Gene: RAB28 (RAB28, member RAS oncogene family; minus strand). Cytogenetic location: 4p15.33.
Variant type: single nucleotide variant.
Coding change: c.655G>A on transcript NM_004249.4 (MANE Plus Clinical); coding-DNA position 655, G replaced by A.
Protein change: p.Val219Ile; replaces valine 219 with isoleucine.
Molecular consequence: missense variant. On other transcripts: intron variant (2).
Genome position (GRCh38, 1-based): chr4:13,369,884, C>T on the plus strand (G>A on the coding strand, the complement: RAB28 is on the minus strand). VCF-style: chr4-13369884-C-T. GRCh37 (hg19) VCF-style: chr4-13371508-C-T.
Other names: c.574-1234G>A (NM_001017979.3); c.*32-1234G>A (NM_001159601.2); short protein forms V219I.
Identifiers: ClinVar variation 940790 (VCV000940790.7), dbSNP rs762588284, ClinGen allele CA356404334.

ClinVar aggregate classification (germline): Uncertain significance (1 of 4 stars; one submission).

Allele frequency attached by ClinVar (database versions not stated): gnomAD 0.00002 and 0.00003; TOPMed 0.00002.
gnomAD v4.1: 7 of 1,611,418 alleles (0.00043%); highest among the groups gnomAD compares: African/African-American, 0.0027%; no homozygotes.

Submission:

Labcorp Genetics (formerly Invitae), Labcorp
Classification: Uncertain significance. Last evaluated: 2022-08-05. Review status: criteria provided, single submitter. Criteria: Invitae Variant Classification Sherloc (09022015). Collection method: clinical testing. Allele origin: germline.
Comment: This sequence change replaces valine, which is neutral and non-polar, with isoleucine, which is neutral and non-polar, at codon 219 of the RAB28 protein (p.Val219Ile). This variant is present in population databases (no rsID available, gnomAD 0.008%). This variant has not been reported in the literature in individuals affected with RAB28-related conditions. ClinVar contains an entry for this variant (Variation ID: 940790). Algorithms developed to predict the effect of missense changes on protein structure and function (SIFT, PolyPhen-2, Align-GVGD) all suggest that this variant is likely to be tolerated. In summary, the available evidence is currently insufficient to determine the role of this variant in disease. Therefore, it has been classified as a Variant of Uncertain Significance.